The following is an entry in ClinVar:

NM_002474.3(MYH11):c.5614G>A (p.Ala1872Thr)

Genes: NDE1 (nudE neurodevelopment protein 1; plus strand), MYH11 (myosin heavy chain 11; minus strand). Cytogenetic location: 16p13.11.
Variant type: single nucleotide variant.
Coding change: c.5614G>A on transcript NM_002474.3 (MANE Select); coding-DNA position 5614, G replaced by A.
Protein change: p.Ala1872Thr; replaces alanine 1872 with threonine.
Molecular consequence: missense variant. On other transcripts: intron variant (2).
Genome position (GRCh38, 1-based): chr16:15,715,081, C>T on the plus strand (G>A on the coding strand, the complement: MYH11 is on the minus strand). VCF-style: chr16-15715081-C-T. GRCh37 (hg19) VCF-style: chr16-15808938-C-T.
Other names: c.5635G>A, p.Ala1879Thr (NM_001040113.2, NM_001040114.2); c.5614G>A, p.Ala1872Thr (NM_022844.3); c.948-9110C>T (NM_001143979.2, NM_017668.3); short protein forms A1879T, A1872T.
Identifiers: ClinVar variation 629279 (VCV000629279.12), dbSNP rs1355377006, ClinGen allele CA394847139.

ClinVar aggregate classification (germline): Conflicting classifications of pathogenicity. Review status: criteria provided, conflicting classifications (1 of 4 stars). 4 submissions from 4 submitters: Uncertain significance (3); Likely benign (1). Last evaluated 2026-01-06.

Conditions:
Aortic aneurysm, familial thoracic 4 (AAT4). Also called: AORTIC ANEURYSM/AORTIC DISSECTION AND PATENT DUCTUS ARTERIOSUS. Identifiers: MedGen C1851504, MONDO:0007568, OMIM 132900.
Familial thoracic aortic aneurysm and aortic dissection (TAAD). Also called: Thoracic aortic aneurysms and dissections. Identifiers: Orphanet 91387, MedGen C4707243, MONDO:0019625.

Allele frequency attached by ClinVar (database versions not stated): gnomAD 0.00001 and 0.00002; gnomAD exomes 0.00001 and 0.00002; TOPMed 0.00003.
gnomAD v4.1: 21 of 1,612,770 alleles (0.0013%); highest among the groups gnomAD compares: East Asian, 0.04%; no homozygotes.

Submissions (4):

Labcorp Genetics (formerly Invitae), Labcorp
Classification: Uncertain significance for Aortic aneurysm, familial thoracic 4. Last evaluated: 2026-01-06. Review status: criteria provided, single submitter. Criteria: Invitae Variant Classification Sherloc (09022015). Collection method: clinical testing. Allele origin: germline.
Comment: This sequence change replaces alanine, which is neutral and non-polar, with threonine, which is neutral and polar, at codon 1879 of the MYH11 protein (p.Ala1879Thr). This variant is present in population databases (no rsID available, gnomAD 0.03%). This variant has not been reported in the literature in individuals affected with MYH11-related conditions. ClinVar contains an entry for this variant (Variation ID: 629279). An algorithm developed to predict the effect of missense changes on protein structure and function (PolyPhen-2) suggests that this variant is likely to be tolerated. In summary, the available evidence is currently insufficient to determine the role of this variant in disease. Therefore, it has been classified as a Variant of Uncertain Significance.

Color Diagnostics, LLC DBA Color Health
Classification: Likely benign for Familial thoracic aortic aneurysm and aortic dissection. Last evaluated: 2025-03-31. Review status: criteria provided, single submitter. Criteria: ACMG Guidelines, 2015. Collection method: clinical testing. Allele origin: germline.

All of Us Research Program, National Institutes of Health
Classification: Uncertain significance for Familial thoracic aortic aneurysm and aortic dissection. Last evaluated: 2023-10-02. Review status: criteria provided, single submitter. Criteria: ACMG Guidelines, 2015. Collection method: clinical testing. Allele origin: germline. Inheritance: Autosomal dominant inheritance. Observed: 2 variant alleles, 2 heterozygotes.
Comment: This missense variant replaces alanine with threonine at codon 1879 of the MYH11 protein. Computational prediction suggests that this variant may not impact protein structure and function (internally defined REVEL score threshold <= 0.5, PMID: 27666373). To our knowledge, functional studies have not been reported for this variant. This variant has not been reported in individuals affected with cardiovascular disorders in the literature. This variant has been identified in 6/250188 chromosomes in the general population by the Genome Aggregation Database (gnomAD). The available evidence is insufficient to determine the role of this variant in disease conclusively. Therefore, this variant is classified as a Variant of Uncertain Significance.

This study involves interpretation of variants in research participants for the purpose of population health screening. Participant phenotype was not available at the time of variant classification. Additional details can be found in publication PMID: 35346344, PMCID: PMC8962531

Ambry Genetics
Classification: Uncertain significance for Familial thoracic aortic aneurysm and aortic dissection. Last evaluated: 2022-09-26. Review status: criteria provided, single submitter. Criteria: Ambry Variant Classification Scheme 2023. Collection method: clinical testing. Allele origin: germline.
Comment: The p.A1872T variant (also known as c.5614G>A) is located in coding exon 39 of the MYH11 gene. The alanine at codon 1872 is replaced by threonine, an amino acid with similar properties. This change occurs in the first base pair of coding exon 39. This amino acid position is conserved. In addition, this alteration is predicted to be tolerated by in silico analysis. Since supporting evidence is limited at this time, the clinical significance of this alteration remains unclear.